The following is an entry in ClinVar:

ClinVar aggregate classification (germline): Uncertain significance (1 of 4 stars; one submission).

Conditions:
TTN-related disorder. Also called: TTN-related disorders; TTN-related condition; TTN-related disease.

gnomAD v4.1: 2 of 1,610,994 alleles (0.00012%); highest among the groups gnomAD compares: Admixed American, 0.0033%; no homozygotes.

Submission:

PreventionGenetics, part of Exact Sciences
Classification: Uncertain significance for TTN-related condition. Last evaluated: 2025-02-14. Review status: criteria provided, single submitter. Criteria: ACMG Guidelines, 2015. Collection method: clinical testing. Allele origin: germline.
Comment: The TTN c.43781A>G variant is predicted to result in the amino acid substitution p.Asp14594Gly. To our knowledge, this variant has not been reported in the literature or in a large population database (gnomAD), indicating this variant is rare. At this time, the clinical significance of this variant is uncertain due to the absence of conclusive functional and genetic evidence.

NM_001267550.2(TTN):c.43781A>G (p.Asp14594Gly)

Gene: TTN (titin; minus strand). Cytogenetic location: 2q31.2.
Variant type: single nucleotide variant.
Coding change: c.43781A>G on transcript NM_001267550.2 (MANE Select); coding-DNA position 43781, A replaced by G.
Protein change: p.Asp14594Gly; replaces aspartic acid 14594 with glycine.
Molecular consequence: missense variant.
Genome position (GRCh38, 1-based): chr2:178,631,267, T>C on the plus strand (A>G on the coding strand, the complement: TTN is on the minus strand). VCF-style: chr2-178631267-T-C. GRCh37 (hg19) VCF-style: chr2-179495994-T-C.
Other names: c.38858A>G, p.Asp12953Gly (NM_001256850.1); c.16586A>G, p.Asp5529Gly (NM_003319.4); c.36077A>G, p.Asp12026Gly (NM_133378.4); c.16961A>G, p.Asp5654Gly (NM_133432.3); c.17162A>G, p.Asp5721Gly (NM_133437.4); short protein forms D5654G, D12953G, D5529G, D5721G, D12026G, D14594G.
Identifiers: ClinVar variation 4989379 (VCV004989379.1).